The following is an entry in ClinVar:

NM_003791.4(MBTPS1):c.2948G>A (p.Trp983Ter)

Gene: MBTPS1 (membrane bound transcription factor peptidase, site 1; minus strand). Cytogenetic location: 16q23.3.
Variant type: single nucleotide variant.
Coding change: c.2948G>A on transcript NM_003791.4 (MANE Select); coding-DNA position 2948, G replaced by A.
Protein change: p.Trp983Ter; replaces tryptophan 983 with a stop codon.
Molecular consequence: nonsense.
Genome position (GRCh38, 1-based): chr16:84,056,019, C>T on the plus strand (G>A on the coding strand, the complement: MBTPS1 is on the minus strand). VCF-style: chr16-84056019-C-T. GRCh37 (hg19) VCF-style: chr16-84089624-C-T.
Other names: short protein forms W983*.
Identifiers: ClinVar variation 812671 (VCV000812671.4), dbSNP rs2085516391, ClinGen allele CA396924199.

ClinVar aggregate classification (germline): Pathogenic. Review status: criteria provided, multiple submitters, no conflicts (2 of 4 stars). 2 submissions from 2 submitters: Pathogenic (2). Last evaluated 2021-08-02.

Conditions:
Spondyloepiphyseal dysplasia, kondo-fu type. Also called: SED WITH ELEVATED BLOOD LYSOSOMAL ENZYMES; MBTPS1-Related Spondyloepimetaphyseal Dysplasia with Elevated Lysosomal Enzymes. Identifiers: MedGen C5193071, MONDO:0032721, OMIM 618392.

Allele frequency attached by ClinVar (database versions not stated): gnomAD exomes below 0.00001.
gnomAD v4.1: 1 of 1,612,882 alleles (0.000062%); highest among the groups gnomAD compares: Non-Finnish European, 0.000085%; no homozygotes.

Submissions (2):

Laboratorio de Genetica e Diagnostico Molecular, Hospital Israelita Albert Einstein
Classification: Pathogenic. Last evaluated: 2021-08-02. Review status: criteria provided, single submitter. Criteria: ACMG Guidelines, 2015. Collection method: clinical testing. Allele origin: germline. Affected: yes.
Comment: ACMG classification criteria: PVS1, PS4, PM2, PM3

Baylor-Hopkins Center for Mendelian Genomics, Johns Hopkins University School of Medicine
Classification: Pathogenic for Spondyloepiphyseal dysplasia, kondo-fu type. Review status: criteria provided, single submitter. Criteria: ACMG Guidelines, 2015. Collection method: research. Allele origin: germline. Inheritance: Autosomal recessive inheritance. Affected: yes. Observed: 1 homozygote.